The following is an entry in ClinVar:

ClinVar aggregate classification (germline): Uncertain significance (1 of 4 stars; one submission).

Allele frequency attached by ClinVar (database versions not stated): gnomAD exomes below 0.00001; ExAC 0.00001.
gnomAD v4.1: 1 of 1,614,054 alleles (0.000062%); highest among the groups gnomAD compares: South Asian, 0.0011%; no homozygotes.

Submission:

Labcorp Genetics (formerly Invitae), Labcorp
Classification: Uncertain significance. Last evaluated: 2022-07-12. Review status: criteria provided, single submitter. Criteria: Invitae Variant Classification Sherloc (09022015). Collection method: clinical testing. Allele origin: germline.
Comment: In summary, the available evidence is currently insufficient to determine the role of this variant in disease. Therefore, it has been classified as a Variant of Uncertain Significance. Algorithms developed to predict the effect of missense changes on protein structure and function are either unavailable or do not agree on the potential impact of this missense change (SIFT: "Deleterious"; PolyPhen-2: "Benign"; Align-GVGD: "Class C0"). This sequence change replaces alanine, which is neutral and non-polar, with threonine, which is neutral and polar, at codon 1337 of the MCM3AP protein (p.Ala1337Thr). This variant is not present in population databases (gnomAD no frequency). This variant has not been reported in the literature in individuals affected with MCM3AP-related conditions. ClinVar contains an entry for this variant (Variation ID: 1467120).

NM_003906.5(MCM3AP):c.4009G>A (p.Ala1337Thr)

Gene: MCM3AP (minichromosome maintenance complex component 3 associated protein; minus strand). Cytogenetic location: 21q22.3.
Variant type: single nucleotide variant.
Coding change: c.4009G>A on transcript NM_003906.5 (MANE Select); coding-DNA position 4009, G replaced by A.
Protein change: p.Ala1337Thr; replaces alanine 1337 with threonine.
Molecular consequence: missense variant.
Genome position (GRCh38, 1-based): chr21:46,254,519, C>T on the plus strand (G>A on the coding strand, the complement: MCM3AP is on the minus strand). VCF-style: chr21-46254519-C-T. GRCh37 (hg19) VCF-style: chr21-47674433-C-T.
Other names: short protein forms A1337T.
Identifiers: ClinVar variation 1467120 (VCV001467120.8), dbSNP rs779625785, ClinGen allele CA10076269.